The following is an entry in ClinVar:

NM_001005242.3(PKP2):c.730C>G (p.Pro244Ala)

Gene: PKP2 (plakophilin 2; minus strand). Cytogenetic location: 12p11.21.
Variant type: single nucleotide variant.
Coding change: c.730C>G on transcript NM_001005242.3 (MANE Select); coding-DNA position 730, C replaced by G.
Protein change: p.Pro244Ala; replaces proline 244 with alanine.
Molecular consequence: missense variant.
Genome position (GRCh38, 1-based): chr12:32,878,150, G>C on the plus strand (C>G on the coding strand, the complement: PKP2 is on the minus strand). VCF-style: chr12-32878150-G-C. GRCh37 (hg19) VCF-style: chr12-33031084-G-C.
Other names: c.730C>G, p.Pro244Ala (NM_004572.4); short protein forms P244A.
Identifiers: ClinVar variation 235044 (VCV000235044.20), dbSNP rs756376477, ClinGen allele CA038537.

ClinVar aggregate classification (germline): Conflicting classifications of pathogenicity. Review status: criteria provided, conflicting classifications (1 of 4 stars). 6 submissions from 6 submitters: Uncertain significance (2); Likely benign (4). Last evaluated 2025-12-09.

Conditions:
PKP2-related disorder. Also called: PKP2-related condition.
Cardiovascular phenotype. Identifiers: MedGen CN230736.
Cardiomyopathy (CMYO). Also called: Cardiomyopathies. Identifiers: Orphanet 167848, MedGen C0878544, MONDO:0004994, HP:0001638. Inheritance: Various modes of inheritance.
Arrhythmogenic right ventricular dysplasia 9 (ARVD9). Also called: ARRHYTHMOGENIC RIGHT VENTRICULAR DYSPLASIA, FAMILIAL, 9; Arrhythmogenic Right Ventricular Dysplasia/Cardiomyopathy 9. Identifiers: MedGen C1836906, MONDO:0012180, OMIM 609040.

Allele frequency attached by ClinVar (database versions not stated): TOPMed 0.00002.
gnomAD v4.1: 38 of 1,614,242 alleles (0.0024%); highest among the groups gnomAD compares: Admixed American, 0.053%; no homozygotes.

Submissions (6):

Labcorp Genetics (formerly Invitae), Labcorp
Classification: Likely benign for Arrhythmogenic right ventricular dysplasia 9. Last evaluated: 2025-12-09. Review status: criteria provided, single submitter. Criteria: Invitae Variant Classification Sherloc (09022015). Collection method: clinical testing. Allele origin: germline.

PreventionGenetics, part of Exact Sciences
Classification: Likely benign for PKP2-related condition. Last evaluated: 2025-03-31. Review status: criteria provided, single submitter. Criteria: ACMG Guidelines, 2015. Collection method: clinical testing. Allele origin: germline.
Comment: This variant is classified as likely benign based on ACMG/AMP sequence variant interpretation guidelines (Richards et al. 2015 PMID: 25741868, with internal and published modifications).

Color Diagnostics, LLC DBA Color Health
Classification: Likely benign for Cardiomyopathy. Last evaluated: 2024-07-31. Review status: criteria provided, single submitter. Criteria: ACMG Guidelines, 2015. Collection method: clinical testing. Allele origin: germline.

GeneDx
Classification: Uncertain significance. Last evaluated: 2023-02-15. Review status: criteria provided, single submitter. Criteria: GeneDx Variant Classification Process June 2021. Collection method: clinical testing. Allele origin: germline. Affected: yes.
Comment: Has not been previously published as pathogenic or benign to our knowledge; In silico analysis supports that this missense variant has a deleterious effect on protein structure/function

Ambry Genetics
Classification: Likely benign for Cardiovascular phenotype. Last evaluated: 2022-01-12. Review status: criteria provided, single submitter. Criteria: Ambry Variant Classification Scheme 2023. Collection method: clinical testing. Allele origin: germline.

Stanford Center for Inherited Cardiovascular Disease, Stanford University
Classification: Uncertain significance. Last evaluated: 2011-08-01. Review status: criteria provided, single submitter. Criteria: ACMG Guidelines, 2015. Collection method: provider interpretation. Allele origin: germline.